The following is an entry in ClinVar:

NM_004336.5(BUB1):c.1550A>G (p.Asn517Ser)

Gene: BUB1 (BUB1 mitotic checkpoint serine/threonine kinase; minus strand). Cytogenetic location: 2q13.
Variant type: single nucleotide variant.
Coding change: c.1550A>G on transcript NM_004336.5 (MANE Select); coding-DNA position 1550, A replaced by G.
Protein change: p.Asn517Ser; replaces asparagine 517 with serine.
Molecular consequence: missense variant.
Genome position (GRCh38, 1-based): chr2:110,657,612, T>C on the plus strand (A>G on the coding strand, the complement: BUB1 is on the minus strand). VCF-style: chr2-110657612-T-C. GRCh37 (hg19) VCF-style: chr2-111415189-T-C.
Other names: c.1490A>G, p.Asn497Ser (NM_001278616.2); c.1550A>G, p.Asn517Ser (NM_001278617.2); short protein forms N517S, N497S.
Identifiers: ClinVar variation 1775039 (VCV001775039.2), dbSNP rs1689967858, ClinGen allele CA348212043.

ClinVar aggregate classification (germline): Uncertain significance (1 of 4 stars; one submission).

Submission:

Ambry Genetics
Classification: Uncertain significance. Last evaluated: 2022-07-28. Review status: criteria provided, single submitter. Criteria: Ambry Variant Classification Scheme 2023. Collection method: clinical testing. Allele origin: germline.
Comment: The p.N517S variant (also known as c.1550A>G), located in coding exon 14 of the BUB1 gene, results from an A to G substitution at nucleotide position 1550. The asparagine at codon 517 is replaced by serine, an amino acid with highly similar properties. This amino acid position is conserved. In addition, this alteration is predicted to be tolerated by in silico analysis. Since supporting evidence is limited at this time, the clinical significance of this alteration remains unclear.